The following is an entry in ClinVar:

ClinVar aggregate classification (germline): Uncertain significance (1 of 4 stars; one submission).

Submission:

Geisinger Autism and Developmental Medicine Institute, Geisinger Health System
Classification: Uncertain significance. Last evaluated: 2017-01-10. Review status: criteria provided, single submitter. Criteria: ACMG CNV Guidelines, 2011. Collection method: provider interpretation. Allele origin: maternal.
Comment: The deletion was found to be maternailly-inherited; The deletion encompasses the non-coding exon 1 of RBFOX1. Haploinsuffiency of RBFOX1 has been implicated in several neurodevelopmental phenotypes, and some deletions have been inherited from a phenotypically normal parent.

Literature cited by the submitters: PubMed 15148587; PubMed 17503474.

Single allele

Gene: RBFOX1 (RNA binding fox-1 homolog 1; plus strand). Cytogenetic location: 16p13.3.
Variant type: Deletion.
Identifiers: ClinVar variation 560070 (VCV000560070.3).